The following is an entry in ClinVar:

NM_001242896.3(DEPDC5):c.130C>G (p.Pro44Ala)

Gene: DEPDC5 (DEP domain containing 5, GATOR1 subcomplex subunit; plus strand). Cytogenetic location: 22q12.2.
Variant type: single nucleotide variant.
Coding change: c.130C>G on transcript NM_001242896.3 (MANE Select); coding-DNA position 130, C replaced by G.
Protein change: p.Pro44Ala; replaces proline 44 with alanine.
Molecular consequence: missense variant. On other transcripts: non-coding transcript variant (5).
Genome position (GRCh38, 1-based): chr22:31,758,617, C>G. VCF-style: chr22-31758617-C-G. GRCh37 (hg19) VCF-style: chr22-32154603-C-G.
Other names: c.130C>G, p.Pro44Ala (NM_001007188.4, NM_001136029.4, NM_001242897.2 and 9 more transcripts); short protein forms P44A.
Identifiers: ClinVar variation 534808 (VCV000534808.10), dbSNP rs756878843, ClinGen allele CA10195824.

ClinVar aggregate classification (germline): Uncertain significance. Review status: criteria provided, multiple submitters, no conflicts (2 of 4 stars). 3 submissions from 3 submitters: Uncertain significance (3). Last evaluated 2025-09-11.

Conditions:
Familial focal epilepsy with variable foci (FPEVF). Identifiers: Orphanet 98820, MedGen C1858477, MONDO:0020310.
DEPDC5-related disorder. Also called: DEPDC5-related condition; DEPDC5-related related disorder.

Allele frequency attached by ClinVar (database versions not stated): gnomAD exomes 0.00001; ExAC 0.00002; TOPMed 0.00004; gnomAD 0.00006 and 0.00007.
gnomAD v4.1: 15 of 1,613,800 alleles (0.00093%); highest among the groups gnomAD compares: African/African-American, 0.02%; no homozygotes.

Submissions (3):

PreventionGenetics, part of Exact Sciences
Classification: Uncertain significance for DEPDC5-related condition. Last evaluated: 2025-09-11. Review status: criteria provided, single submitter. Criteria: ACMG Guidelines, 2015. Collection method: clinical testing. Allele origin: germline.
Comment: The DEPDC5 c.130C>G variant is predicted to result in the amino acid substitution p.Pro44Ala. To our knowledge, this variant has not been reported in the literature. This variant is reported in 0.021% of alleles in individuals of African descent in gnomAD. At this time, the clinical significance of this variant is uncertain due to the absence of conclusive functional and genetic evidence.

Labcorp Genetics (formerly Invitae), Labcorp
Classification: Uncertain significance for Familial focal epilepsy with variable foci. Last evaluated: 2025-07-27. Review status: criteria provided, single submitter. Criteria: Invitae Variant Classification Sherloc (09022015). Collection method: clinical testing. Allele origin: germline.
Comment: This sequence change replaces proline, which is neutral and non-polar, with alanine, which is neutral and non-polar, at codon 44 of the DEPDC5 protein (p.Pro44Ala). This variant is present in population databases (rs756878843, gnomAD 0.02%). This variant has not been reported in the literature in individuals affected with DEPDC5-related conditions. ClinVar contains an entry for this variant (Variation ID: 534808). Experimental studies and prediction algorithms are not available or were not evaluated, and the functional significance of this variant is currently unknown. In summary, the available evidence is currently insufficient to determine the role of this variant in disease. Therefore, it has been classified as a Variant of Uncertain Significance.

Athena Diagnostics
Classification: Uncertain significance. Last evaluated: 2019-04-01. Review status: criteria provided, single submitter. Criteria: Athena Diagnostics Criteria. Collection method: clinical testing. Allele origin: germline.